The following is an entry in ClinVar:

ClinVar aggregate classification (germline): Pathogenic. Review status: criteria provided, multiple submitters, no conflicts (2 of 4 stars). 3 submissions from 3 submitters: Pathogenic (2). 1 of the submissions does not count toward it. Last evaluated 2021-04-22.

Conditions:
Retinal dystrophy. Also called: Inherited retinal dystrophy. Identifiers: Orphanet 71862, MedGen C0854723, MeSH D058499, MONDO:0019118, HP:0000556.

Submissions (3):

Labcorp Genetics (formerly Invitae), Labcorp
Classification: Pathogenic. Last evaluated: 2021-04-22. Review status: criteria provided, single submitter. Criteria: Invitae Variant Classification Sherloc (09022015). Collection method: clinical testing. Allele origin: germline.
Comment: For these reasons, this variant has been classified as Pathogenic. This variant disrupts the p.Asp302 amino acid residue in BEST1. Other variant(s) that disrupt this residue have been determined to be pathogenic (PMID: 10798642, Invitae). This suggests that this residue is clinically significant, and that variants that disrupt this residue are likely to be disease-causing. Advanced modeling of protein sequence and biophysical properties (such as structural, functional, and spatial information, amino acid conservation, physicochemical variation, residue mobility, and thermodynamic stability) performed at Invitae indicates that this missense variant is expected to disrupt BEST1 protein function. This variant has been observed in individual(s) with autosomal dominant Best disease (PMID: 12324875, Invitae). ClinVar contains an entry for this variant (Variation ID: 99774). This variant is not present in population databases (ExAC no frequency). This sequence change replaces aspartic acid with histidine at codon 302 of the BEST1 protein (p.Asp302His). The aspartic acid residue is highly conserved and there is a moderate physicochemical difference between aspartic acid and histidine.

Institute of Human Genetics, Univ. Regensburg, Univ. Regensburg
Classification: Pathogenic for Retinal dystrophy. Last evaluated: 2010-01-01. Review status: criteria provided, single submitter. Criteria: ACMG Guidelines, 2015. Collection method: clinical testing. Allele origin: germline. Affected: yes.

Retina International
No classification provided. Review status: no classification provided. Collection method: not provided. Allele origin: not provided. Not counted in ClinVar's aggregate classification.

Literature cited by the submitters: PubMed 10798642 (cited by Labcorp Genetics (formerly Invitae), Labcorp); PubMed 12324875 (cited by Labcorp Genetics (formerly Invitae), Labcorp and Institute of Human Genetics, Univ. Regensburg, Univ. Regensburg).

NM_004183.4(BEST1):c.904G>C (p.Asp302His)

Gene: BEST1 (bestrophin 1; plus strand). Cytogenetic location: 11q12.3.
Variant type: single nucleotide variant.
Coding change: c.904G>C on transcript NM_004183.4 (MANE Select); coding-DNA position 904, G replaced by C.
Protein change: p.Asp302His; replaces aspartic acid 302 with histidine.
Molecular consequence: missense variant. On other transcripts: non-coding transcript variant (1), intron variant (1).
Genome position (GRCh38, 1-based): chr11:61,959,534, G>C. VCF-style: chr11-61959534-G-C. GRCh37 (hg19) VCF-style: chr11-61727006-G-C.
Other names: c.724G>C, p.Asp242His (NM_001139443.3, NM_001300787.2); c.586G>C, p.Asp196His (NM_001363591.3); c.1107G>C, p.Met369Ile (NM_001363592.2); c.-69G>C (NM_001363593.3); c.688-358G>C (NM_001300786.2); short protein forms D302H, D196H, D242H, M369I.
Identifiers: ClinVar variation 99774 (VCV000099774.9), dbSNP rs281865262, ClinGen allele CA227846.
Genomic context (GRCh38, chr11:61,959,534, plus strand): 5'-TACAGAGCCTCACCTGTCCCCAAGGTGGCAGAGCAGCTCATCAACCCCTTTGGAGAGGAT[G>C]ATGATGATTTTGAGACCAACTGGATTGTCGACAGGAATTTGCAGGTATGGGGAGAGGGAG-3'
Protein context (NP_004174.1, residues 292-312): EQLINPFGED[Asp302His]DDFETNWIVD